The following is an entry in ClinVar:

NM_006765.4(TUSC3):c.53G>A (p.Arg18Gln)

Gene: TUSC3 (tumor suppressor candidate 3; plus strand). Cytogenetic location: 8p22.
Variant type: single nucleotide variant.
Coding change: c.53G>A on transcript NM_006765.4 (MANE Select); coding-DNA position 53, G replaced by A.
Protein change: p.Arg18Gln; replaces arginine 18 with glutamine.
Molecular consequence: missense variant.
Genome position (GRCh38, 1-based): chr8:15,540,483, G>A. VCF-style: chr8-15540483-G-A. GRCh37 (hg19) VCF-style: chr8-15397992-G-A.
Other names: c.53G>A, p.Arg18Gln (NM_001356429.2, NM_178234.2); short protein forms R18Q.
Identifiers: ClinVar variation 1059475 (VCV001059475.5), dbSNP rs2129132447, ClinGen allele CA370389436.

ClinVar aggregate classification (germline): Uncertain significance (1 of 4 stars; one submission).

Conditions:
Intellectual developmental disorder, autosomal recessive 7. Also called: Intellectual disability, autosomal recessive 7. Identifiers: Orphanet 88616, MedGen C1970197, MONDO:0012615, OMIM 611093.

gnomAD v4.1: 1 of 1,607,974 alleles (0.000062%); highest among the groups gnomAD compares: Non-Finnish European, 0.000085%; no homozygotes.

Submission:

Labcorp Genetics (formerly Invitae), Labcorp
Classification: Uncertain significance for Intellectual developmental disorder, autosomal recessive 7. Last evaluated: 2020-09-02. Review status: criteria provided, single submitter. Criteria: Invitae Variant Classification Sherloc (09022015). Collection method: clinical testing. Allele origin: germline.
Comment: Algorithms developed to predict the effect of missense changes on protein structure and function are either unavailable or do not agree on the potential impact of this missense change (SIFT: "Tolerated"; PolyPhen-2: "Not Available"; Align-GVGD: "Class C0"). In summary, the available evidence is currently insufficient to determine the role of this variant in disease. Therefore, it has been classified as a Variant of Uncertain Significance. This variant has not been reported in the literature in individuals with TUSC3-related conditions. This variant is not present in population databases (ExAC no frequency). This sequence change replaces arginine with glutamine at codon 18 of the TUSC3 protein (p.Arg18Gln). The arginine residue is weakly conserved and there is a small physicochemical difference between arginine and glutamine.